The following is an entry in ClinVar:

ClinVar aggregate classification (germline): Uncertain significance (1 of 4 stars; one submission).

Conditions:
Dystonia 12 (DYT12). Also called: DYT-ATP1A3; Rapid-Onset Dystonia-Parkinsonism (RDP). Identifiers: Orphanet 71517, MedGen C1868681, MONDO:0007496, OMIM 128235.

Submission:

Labcorp Genetics (formerly Invitae), Labcorp
Classification: Uncertain significance for Dystonia 12. Last evaluated: 2022-06-23. Review status: criteria provided, single submitter. Criteria: Invitae Variant Classification Sherloc (09022015). Collection method: clinical testing. Allele origin: germline.
Comment: This variant has not been reported in the literature in individuals affected with ATP1A3-related conditions. This sequence change falls in intron 14 of the ATP1A3 gene. It does not directly change the encoded amino acid sequence of the ATP1A3 protein. This variant is not present in population databases (gnomAD no frequency). Algorithms developed to predict the effect of sequence changes on RNA splicing suggest that this variant may create or strengthen a splice site. In summary, the available evidence is currently insufficient to determine the role of this variant in disease. Therefore, it has been classified as a Variant of Uncertain Significance.

NM_152296.5(ATP1A3):c.1944-16T>A

Gene: ATP1A3 (ATPase Na+/K+ transporting subunit alpha 3; minus strand). Cytogenetic location: 19q13.2.
Variant type: single nucleotide variant.
Coding change: c.1944-16T>A on transcript NM_152296.5 (MANE Select); 16 bases into the intron before coding-DNA position 1944, T replaced by A.
Molecular consequence: intron variant.
Genome position (GRCh38, 1-based): chr19:41,976,582, A>T on the plus strand (T>A on the coding strand, the complement: ATP1A3 is on the minus strand). VCF-style: chr19-41976582-A-T. GRCh37 (hg19) VCF-style: chr19-42480734-A-T.
Other names: c.1983-16T>A (NM_001256214.2); c.1977-16T>A (NM_001256213.2).
Identifiers: ClinVar variation 2009991 (VCV002009991.4), dbSNP rs782073512, ClinGen allele CA2580097314.